The following is an entry in ClinVar:

NM_001321571.2(CAMK2D):c.979G>A (p.Val327Ile)

Gene: CAMK2D (calcium/calmodulin dependent protein kinase II delta; minus strand). Cytogenetic location: 4q26.
Variant type: single nucleotide variant.
Coding change: c.979G>A on transcript NM_001321571.2 (MANE Select); coding-DNA position 979, G replaced by A.
Protein change: p.Val327Ile; replaces valine 327 with isoleucine.
Molecular consequence: missense variant.
Genome position (GRCh38, 1-based): chr4:113,509,643, C>T on the plus strand (G>A on the coding strand, the complement: CAMK2D is on the minus strand). VCF-style: chr4-113509643-C-T. GRCh37 (hg19) VCF-style: chr4-114430799-C-T.
Other names: c.979G>A, p.Val327Ile (NM_001321573.2, NM_001321575.2, NM_001321579.2 and 22 more transcripts); c.976G>A, p.Val326Ile (NM_001321574.2, NM_001321576.2, NM_001321577.2 and 8 more transcripts); c.391G>A, p.Val131Ile (NM_001321578.2, NM_001399865.1, NM_001321585.2); c.862G>A, p.Val288Ile (NM_001321581.2, NM_001399859.1, NM_001399860.1 and 1 more transcripts); c.859G>A, p.Val287Ile (NM_001399862.1); c.592G>A, p.Val198Ile (NM_001399863.1); c.589G>A, p.Val197Ile (NM_001399864.1); short protein forms V131I, V197I, V326I, V198I, V287I, V288I, V327I.
Identifiers: ClinVar variation 2401118 (VCV002401118.3), dbSNP rs374130979, ClinGen allele CA3052757.

ClinVar aggregate classification (germline): Conflicting classifications of pathogenicity. Review status: criteria provided, conflicting classifications (1 of 4 stars). 2 submissions from 2 submitters: Uncertain significance (1); Likely benign (1). Last evaluated 2026-07-01.

Allele frequency attached by ClinVar (database versions not stated): ExAC 0.00010; TOPMed 0.00012; gnomAD 0.00013; ESP Exome Variant Server 0.00015; gnomAD exomes 0.00020.
gnomAD v4.1: 296 of 1,603,868 alleles (0.018%); highest among the groups gnomAD compares: Non-Finnish European, 0.025%; no homozygotes.

Submissions (2):

CeGaT Center for Human Genetics Tuebingen
Classification: Likely benign. Last evaluated: 2026-07-01. Review status: criteria provided, single submitter. Criteria: CeGaT Center For Human Genetics Tuebingen Variant Classification Criteria Version 2. Collection method: clinical testing. Allele origin: germline. Affected: yes. Observed: 1 variant allele.
Comment: CAMK2D: BS1

Ambry Genetics
Classification: Uncertain significance. Last evaluated: 2021-08-16. Review status: criteria provided, single submitter. Criteria: Ambry Variant Classification Scheme 2023. Collection method: clinical testing. Allele origin: germline.